The following is an entry in ClinVar:

NM_000179.3(MSH6):c.2114A>C (p.Asn705Thr)

Gene: MSH6 (mutS homolog 6; plus strand). Cytogenetic location: 2p16.3.
Variant type: single nucleotide variant.
Coding change: c.2114A>C on transcript NM_000179.3 (MANE Select); coding-DNA position 2114, A replaced by C.
Protein change: p.Asn705Thr; replaces asparagine 705 with threonine.
Molecular consequence: missense variant. On other transcripts: non-coding transcript variant (5), intron variant (2).
Genome position (GRCh38, 1-based): chr2:47,800,097, A>C. VCF-style: chr2-47800097-A-C. GRCh37 (hg19) VCF-style: chr2-48027236-A-C.
Other names: c.1724A>C, p.Asn575Thr (NM_001281492.2); c.1208A>C, p.Asn403Thr (NM_001281493.2, NM_001281494.2, NM_001406811.1 and 6 more transcripts); c.2210A>C, p.Asn737Thr (NM_001406795.1, NM_001406802.1); c.2114A>C, p.Asn705Thr (NM_001406796.1, NM_001406798.1, NM_001406800.1 and 3 more transcripts); c.1817A>C, p.Asn606Thr (NM_001406797.1, NM_001406801.1, NM_001406805.1 and 10 more transcripts); c.1589A>C, p.Asn530Thr (NM_001406799.1, NM_001406806.1, NM_001406807.1); c.2036A>C, p.Asn679Thr (NM_001406804.1); c.2120A>C, p.Asn707Thr (NM_001406813.1); and 3 more; short protein forms N679T, N707T, N530T, N606T, N403T, N649T, N575T, N705T.
Identifiers: ClinVar variation 3875077 (VCV003875077.1).
Genomic context (GRCh38, chr2:47,800,097, plus strand): 5'-GTGGTTGTGTCTTCTACCTCAAAAAATGCCTTATTGATCAGGAGCTTTTATCAATGGCTA[A>C]TTTTGAAGAATATATTCCCTTGGATTCTGACACAGTCAGCACTACAAGATCTGGTGCTAT-3'
Protein context (NP_000170.1, residues 695-715): LIDQELLSMA[Asn705Thr]FEEYIPLDSD

ClinVar aggregate classification (germline): Uncertain significance (1 of 4 stars; one submission).

Conditions:
Hereditary cancer-predisposing syndrome. Also called: Tumor predisposition; Neoplastic Syndromes, Hereditary; Hereditary Cancer Syndrome; Hereditary neoplastic syndrome. Identifiers: Orphanet 140162, MedGen C0027672, MeSH D009386, MONDO:0015356.

gnomAD v4.1: 2 of 1,614,180 alleles (0.00012%); highest among the groups gnomAD compares: South Asian, 0.0011%; no homozygotes.

Submission:

Ambry Genetics
Classification: Uncertain significance for Hereditary cancer-predisposing syndrome. Last evaluated: 2025-01-15. Review status: criteria provided, single submitter. Criteria: Ambry Variant Classification Scheme 2023. Collection method: clinical testing. Allele origin: germline.
Comment: The p.N705T variant (also known as c.2114A>C), located in coding exon 4 of the MSH6 gene, results from an A to C substitution at nucleotide position 2114. The asparagine at codon 705 is replaced by threonine, an amino acid with similar properties. This amino acid position is highly conserved in available vertebrate species. In addition, the in silico prediction for this alteration is inconclusive. Based on the available evidence, the clinical significance of this variant remains unclear.